The following is an entry in ClinVar:

NM_004612.4(TGFBR1):c.413G>T (p.Cys138Phe)

Gene: TGFBR1 (transforming growth factor beta receptor 1; plus strand). Cytogenetic location: 9q22.33.
Variant type: single nucleotide variant.
Coding change: c.413G>T on transcript NM_004612.4 (MANE Select); coding-DNA position 413, G replaced by T.
Protein change: p.Cys138Phe; replaces cysteine 138 with phenylalanine.
Molecular consequence: missense variant. On other transcripts: non-coding transcript variant (4), intron variant (3).
Genome position (GRCh38, 1-based): chr9:99,132,578, G>T. VCF-style: chr9-99132578-G-T. GRCh37 (hg19) VCF-style: chr9-101894860-G-T.
Other names: c.425G>T, p.Cys142Phe (NM_001306210.2, NM_001407416.1); c.413G>T, p.Cys138Phe (NM_001407417.1, NM_001407435.1); c.218G>T, p.Cys73Phe (NM_001407418.1, NM_001407419.1, NM_001407420.1 and 1 more transcripts); c.206G>T, p.Cys69Phe (NM_001407423.1, NM_001407424.1, NM_001407425.1 and 8 more transcripts); c.167G>T, p.Cys56Phe (NM_001407436.1); c.343+3478G>T (NM_001130916.3); c.98-5281G>T (NM_001407438.1); c.98-9958G>T (NM_001407437.1); short protein forms C138F, C142F, C56F, C69F, C73F.
Identifiers: ClinVar variation 5038425 (VCV005038425.1).

ClinVar aggregate classification (germline): Uncertain significance (1 of 4 stars; one submission).

Conditions:
Ascending aortic dissection. Identifiers: MedGen C1836653, HP:0004933.

gnomAD v4.1: 1 of 1,614,152 alleles (0.000062%); highest among the groups gnomAD compares: Non-Finnish European, 0.000085%; no homozygotes.

Submission:

Clinical Genetics Laboratory, Skane University Hospital Lund
Classification: Uncertain significance for Ascending aortic dissection. Last evaluated: 2026-11-03. Review status: criteria provided, single submitter. Criteria: ACMG Guidelines, 2015. Collection method: clinical testing. Allele origin: germline. Affected: yes.
Comment: ACMG criterias used: PM2 and PP3.